The following is an entry in ClinVar:

NM_025114.4(CEP290):c.3398C>T (p.Ala1133Val)

Gene: CEP290 (centrosomal protein 290; minus strand). Cytogenetic location: 12q21.32.
Variant type: single nucleotide variant.
Coding change: c.3398C>T on transcript NM_025114.4 (MANE Select); coding-DNA position 3398, C replaced by T.
Protein change: p.Ala1133Val; replaces alanine 1133 with valine.
Molecular consequence: missense variant.
Genome position (GRCh38, 1-based): chr12:88,092,744, G>A on the plus strand (C>T on the coding strand, the complement: CEP290 is on the minus strand). VCF-style: chr12-88092744-G-A. GRCh37 (hg19) VCF-style: chr12-88486521-G-A.
Other names: short protein forms A1133V.
Identifiers: ClinVar variation 2414625 (VCV002414625.8), dbSNP rs2500232968, ClinGen allele CA386004206.

ClinVar aggregate classification (germline): Uncertain significance (1 of 4 stars; one submission).

Conditions:
Joubert syndrome. Also called: CEREBELLOPARENCHYMAL DISORDER IV; JOUBERT-BOLTSHAUSER SYNDROME; Familial aplasia of the vermis. Identifiers: Orphanet 475, MedGen C5979921, MONDO:0018772.
Nephronophthisis. Also called: Juvenile Nephronophthisis. Identifiers: Orphanet 655, MedGen C0687120, MONDO:0019005, HP:0000090.
Meckel-Gruber syndrome. Also called: DYSENCEPHALIA SPLANCHNOCYSTICA; GRUBER SYNDROME; Dysencephalia splachnocystica. Identifiers: Orphanet 564, MedGen C0265215, MONDO:0018921.

Submission:

Labcorp Genetics (formerly Invitae), Labcorp
Classification: Uncertain significance for Joubert syndrome; Meckel-Gruber syndrome; Nephronophthisis. Last evaluated: 2022-11-01. Review status: criteria provided, single submitter. Criteria: Invitae Variant Classification Sherloc (09022015). Collection method: clinical testing. Allele origin: germline.
Comment: This sequence change replaces alanine, which is neutral and non-polar, with valine, which is neutral and non-polar, at codon 1133 of the CEP290 protein (p.Ala1133Val). This variant is not present in population databases (gnomAD no frequency). This variant has not been reported in the literature in individuals affected with CEP290-related conditions. Advanced modeling of protein sequence and biophysical properties (such as structural, functional, and spatial information, amino acid conservation, physicochemical variation, residue mobility, and thermodynamic stability) performed at Invitae indicates that this missense variant is not expected to disrupt CEP290 protein function. In summary, the available evidence is currently insufficient to determine the role of this variant in disease. Therefore, it has been classified as a Variant of Uncertain Significance.